The following is an entry in ClinVar:

NM_138694.4(PKHD1):c.8555-2A>C

Gene: PKHD1 (PKHD1 ciliary IPT domain containing fibrocystin/polyductin; minus strand). Cytogenetic location: 6p12.3.
Variant type: single nucleotide variant.
Coding change: c.8555-2A>C on transcript NM_138694.4 (MANE Select); the canonical splice acceptor site of the intron before coding-DNA position 8555, A replaced by C.
Molecular consequence: splice acceptor variant.
Genome position (GRCh38, 1-based): chr6:51,772,791, T>G on the plus strand (A>C on the coding strand, the complement: PKHD1 is on the minus strand). VCF-style: chr6-51772791-T-G. GRCh37 (hg19) VCF-style: chr6-51637589-T-G.
Other names: c.8555-2A>C (NM_170724.3, NM_170724.2).
Identifiers: ClinVar variation 429814 (VCV000429814.21), dbSNP rs1020621286, ClinGen allele CA138907851.

ClinVar aggregate classification (germline): Pathogenic/Likely pathogenic. Review status: criteria provided, multiple submitters, no conflicts (2 of 4 stars). 8 submissions from 8 submitters: Pathogenic (6); Likely pathogenic (2). Last evaluated 2025-08-05.

Conditions:
PKHD1-related disorder. Also called: PKHD1-related condition.
Polycystic kidney disease 4 (PKD4). Also called: PKD3; Autosomal Recessive Polycystic Kidney Disease – PKHD1; POLYCYSTIC KIDNEY AND HEPATIC DISEASE 1; POLYCYSTIC KIDNEY DISEASE, INFANTILE, TYPE I; POLYCYSTIC KIDNEY DISEASE 4 WITH OR WITHOUT POLYCYSTIC LIVER DISEASE. Identifiers: MedGen C4540575, MONDO:0033004, OMIM 263200.
Autosomal recessive polycystic kidney disease (ARPKD). Also called: AR polycystic kidney disease. Identifiers: Orphanet 731, Orphanet 8378, MedGen C0085548, MeSH D017044, MONDO:0009889.

Allele frequency attached by ClinVar (database versions not stated): gnomAD 0.00001; TOPMed 0.00002.
gnomAD v4.1: 1 of 1,540,552 alleles (0.000065%); highest among the groups gnomAD compares: Non-Finnish European, 0.00009%; no homozygotes.

Submissions (8):

Natera, Inc.
Classification: Pathogenic for Autosomal recessive polycystic kidney disease. Last evaluated: 2025-08-05. Review status: criteria provided, single submitter. Criteria: Natera Variant Classification Schema (03/2026). Collection method: clinical testing. Allele origin: germline.
Comment: The c.8555-2A>C variant in PKHD1 is a canonical splice acceptor site variant predicted to affect pre-mRNA splicing, which may result in an abnormal transcript and altered protein product. This variant is expected to result in nonsense mediated decay, truncation, or a dysfunctional protein product. This variant is rare in the general population with a frequency below the threshold expected for the associated phenotype(s). Functional studies show that this variant may disrupt protein function (PMID: 34536170). Another variant at this same site results in an alteration predicted to cause a similar molecular effect has been observed in individual(s) with the associated phenotype. Given the available evidence, this variant is classified as Pathogenic.

Labcorp Genetics (formerly Invitae), Labcorp
Classification: Likely pathogenic for Autosomal recessive polycystic kidney disease. Last evaluated: 2025-05-05. Review status: criteria provided, single submitter. Criteria: Invitae Variant Classification Sherloc (09022015). Collection method: clinical testing. Allele origin: germline.
Comment: This sequence change affects an acceptor splice site in intron 54 of the PKHD1 gene. RNA analysis indicates that disruption of this splice site induces altered splicing and may result in an absent or altered protein product. This variant is not present in population databases (gnomAD no frequency). Disruption of this splice site has been observed in individual(s) with clinical features of polycystic kidney disease (PMID: 34008892, 34536170). ClinVar contains an entry for this variant (Variation ID: 429814). Studies have shown that disruption of this splice site results in skipping of exon 55, and produces a non-functional protein and/or introduces a premature termination codon (PMID: 34536170). In summary, the currently available evidence indicates that the variant is pathogenic, but additional data are needed to prove that conclusively. Therefore, this variant has been classified as Likely Pathogenic.

GeneDx
Classification: Pathogenic. Last evaluated: 2025-04-22. Review status: criteria provided, single submitter. Criteria: GeneDx Variant Classification Process June 2021. Collection method: clinical testing. Allele origin: germline. Affected: yes.
Comment: Reported with a second variant on the opposite allele (in trans) in an individual in published literature (PMID: 34536170); Canonical splice site variant predicted to result in a null allele in a gene for which loss of function is a known mechanism of disease (PMID: 34536170); Not observed at significant frequency in large population cohorts (gnomAD); This variant is associated with the following publications: (PMID: 34536170)

Fulgent Genetics
Classification: Likely pathogenic for Polycystic kidney disease 4. Last evaluated: 2024-06-15. Review status: criteria provided, single submitter. Criteria: ACMG Guidelines, 2015. Collection method: clinical testing. Allele origin: germline.

PreventionGenetics, part of Exact Sciences
Classification: Pathogenic for PKHD1-related condition. Last evaluated: 2023-01-04. Review status: criteria provided, single submitter. Criteria: ACMG Guidelines, 2015. Collection method: clinical testing. Allele origin: germline.
Comment: The PKHD1 c.8555-2A>C variant is predicted to disrupt the AG splice acceptor site and interfere with normal splicing. This variant has been reported in the compound heterozygous state in a patient with polycystic kidney disease and in vitro (minigene assay) results in exon skipping (Ishiko S et al. 2022. PubMed ID: 34536170). This variant has not been reported in a large population database, indicating this variant is rare. Variants that disrupt the consensus splice acceptor site in PKHD1 are expected to be pathogenic. This variant is interpreted as pathogenic.

Greenwood Genetic Center Diagnostic Laboratories, Greenwood Genetic Center
Classification: Pathogenic. Last evaluated: 2020-09-23. Review status: criteria provided, single submitter. Criteria: ACMG Guidelines, 2015. Collection method: clinical testing. Allele origin: germline. Affected: yes.

HudsonAlpha Institute for Biotechnology
Classification: Pathogenic for Polycystic kidney disease 4. Last evaluated: 2014-10-13. Review status: criteria provided, single submitter. Criteria: ACMG Guidelines, 2015. Collection method: research. Allele origin: maternal. Affected: yes. Observed: 1 variant allele. Study: CSER-SouthSeq.
Comment: ACMG codes: PVS1; PM2; PP5

Baylor Genetics
Classification: Pathogenic for Polycystic kidney disease 4. Review status: criteria provided, single submitter. Criteria: ACMG Guidelines, 2015. Collection method: clinical testing. Allele origin: germline.

Literature cited by the submitters: PubMed 34536170 (cited by Natera, Inc. and Labcorp Genetics (formerly Invitae), Labcorp); PubMed 34008892 (cited by Labcorp Genetics (formerly Invitae), Labcorp).